The following is an entry in ClinVar:

NM_000214.3(JAG1):c.2301G>A (p.Thr767=)

Gene: JAG1 (jagged canonical Notch ligand 1; minus strand). Cytogenetic location: 20p12.2.
Variant type: single nucleotide variant.
Coding change: c.2301G>A on transcript NM_000214.3 (MANE Select); coding-DNA position 2301, G replaced by A.
Protein change: p.Thr767=; no amino-acid change (threonine 767 retained).
Molecular consequence: synonymous variant.
Genome position (GRCh38, 1-based): chr20:10,644,906, C>T on the plus strand (G>A on the coding strand, the complement: JAG1 is on the minus strand). VCF-style: chr20-10644906-C-T. GRCh37 (hg19) VCF-style: chr20-10625554-C-T.
Other names: p.Thr767=; c.2301G>A, p.Thr767= (LRG_1191t1).
Identifiers: ClinVar variation 245692 (VCV000245692.48), dbSNP rs147634857, ClinGen allele CA9764561.

ClinVar aggregate classification (germline): Benign/Likely benign. Review status: criteria provided, multiple submitters, no conflicts (2 of 4 stars). 9 submissions from 9 submitters: Benign (2); Likely benign (6). 1 of the submissions does not count toward it. Last evaluated 2026-01-18.

Conditions:
Cardiovascular phenotype. Identifiers: MedGen CN230736.
JAG1-related disorder. Also called: JAG1-related disorders; JAG1-related condition.
Alagille syndrome due to a JAG1 point mutation. Also called: HEPATIC DUCTULAR HYPOPLASIA, SYNDROMATIC; JAG1-Related Alagille Syndrome; Alagille Syndrome 1. Identifiers: Orphanet 261619, Orphanet 52, MedGen C1956125, MONDO:0016862, OMIM 118450.

Allele frequency attached by ClinVar (database versions not stated): gnomAD exomes 0.00033; ExAC 0.00049; 1000 Genomes Project 0.00140; gnomAD 0.00153 and 0.00165; 1000 Genomes Project 30x 0.00156; ESP Exome Variant Server 0.00169; TOPMed 0.00171.
gnomAD v4.1: 442 of 1,614,114 alleles (0.027%); highest among the groups gnomAD compares: African/African-American, 0.55%; 1 homozygote.

Submissions (9):

Labcorp Genetics (formerly Invitae), Labcorp
Classification: Benign for Alagille syndrome due to a JAG1 point mutation. Last evaluated: 2026-01-18. Review status: criteria provided, single submitter. Criteria: Invitae Variant Classification Sherloc (09022015). Collection method: clinical testing. Allele origin: germline.

PreventionGenetics, part of Exact Sciences
Classification: Benign for JAG1-related condition. Last evaluated: 2025-12-10. Review status: criteria provided, single submitter. Criteria: ACMG Guidelines, 2015. Collection method: clinical testing. Allele origin: germline.
Comment: This variant is classified as benign based on ACMG/AMP sequence variant interpretation guidelines (Richards et al. 2015 PMID: 25741868, with internal and published modifications).

Mayo Clinic Laboratories, Mayo Clinic
Classification: Likely benign. Last evaluated: 2025-06-26. Review status: criteria provided, single submitter. Criteria: ACMG Guidelines, 2015. Collection method: clinical testing. Allele origin: germline. Observed: 3 variant alleles.
Comment: BS1, BP4, BP7

Blueprint Genetics
Classification: Likely benign. Last evaluated: 2024-09-18. Review status: criteria provided, single submitter. Criteria: ACMG Guidelines, 2015. Collection method: clinical testing. Allele origin: germline.

CeGaT Center for Human Genetics Tuebingen
Classification: Likely benign. Last evaluated: 2024-02-01. Review status: criteria provided, single submitter. Criteria: CeGaT Center For Human Genetics Tuebingen Variant Classification Criteria Version 2. Collection method: clinical testing. Allele origin: germline. Affected: yes. Observed: 2 variant alleles.
Comment: JAG1: BP4, BP7, BS1

Ambry Genetics
Classification: Likely benign for Cardiovascular phenotype. Last evaluated: 2016-12-29. Review status: criteria provided, single submitter. Criteria: Ambry Variant Classification Scheme 2023. Collection method: clinical testing. Allele origin: germline.

GeneDx
Classification: Likely benign. Last evaluated: 2016-03-02. Review status: criteria provided, single submitter. Criteria: GeneDx Variant Classification (06012015). Collection method: clinical testing. Allele origin: germline. Affected: yes.
Comment: This variant is considered likely benign or benign based on one or more of the following criteria: it is a conservative change, it occurs at a poorly conserved position in the protein, it is predicted to be benign by multiple in silico algorithms, and/or has population frequency not consistent with disease.

Eurofins Ntd Llc (ga)
Classification: Likely benign. Last evaluated: 2015-12-09. Review status: criteria provided, single submitter. Criteria: EGL Classification Definitions 2015. Collection method: clinical testing. Allele origin: germline. Observed: 1 variant allele, 1 heterozygote.

Genetic Services Laboratory, University of Chicago
Classification: Benign. Last evaluated: 2022-07-20. Review status: no assertion criteria provided. Collection method: clinical testing. Allele origin: germline. Affected: no. Not counted in ClinVar's aggregate classification.